The following is an entry in ClinVar:

ClinVar aggregate classification (germline): Uncertain significance (1 of 4 stars; one submission).

Conditions:
Inborn genetic diseases. Identifiers: MedGen C0950123, MeSH D030342.

gnomAD v4.1: 3 of 1,613,964 alleles (0.00019%); no homozygotes.

Submission:

Ambry Genetics
Classification: Uncertain significance for Inborn genetic diseases. Last evaluated: 2022-02-07. Review status: criteria provided, single submitter. Criteria: Ambry Variant Classification Scheme 2023. Collection method: clinical testing. Allele origin: germline.
Comment: The p.R690P variant (also known as c.2069G>C), located in coding exon 13 of the EPAS1 gene, results from a G to C substitution at nucleotide position 2069. The arginine at codon 690 is replaced by proline, an amino acid with dissimilar properties. This amino acid position is conserved. In addition, this alteration is predicted to be tolerated by in silico analysis. Since supporting evidence is limited at this time, the clinical significance of this alteration remains unclear.

NM_001430.5(EPAS1):c.2069G>C (p.Arg690Pro)

Gene: EPAS1 (endothelial PAS domain protein 1; plus strand). Cytogenetic location: 2p21.
Variant type: single nucleotide variant.
Coding change: c.2069G>C on transcript NM_001430.5 (MANE Select); coding-DNA position 2069, G replaced by C.
Protein change: p.Arg690Pro; replaces arginine 690 with proline.
Molecular consequence: missense variant.
Genome position (GRCh38, 1-based): chr2:46,381,619, G>C. VCF-style: chr2-46381619-G-C. GRCh37 (hg19) VCF-style: chr2-46608758-G-C.
Other names: short protein forms R690P.
Identifiers: ClinVar variation 1785337 (VCV001785337.2), dbSNP rs1021730994, ClinGen allele CA346705467.
Genomic context (GRCh38, chr2:46,381,619, plus strand): 5'-CAGACTCCCTCATAGCCTGCTCTCTCGGGCTTGGCAGGTCTGCAAAGGGTTTTGGGGCTC[G>C]AGGCCCAGACGTGCTGAGTCCGGCCATGGTAGCCCTCTCCAACAAGCTGAAGCTGAAGCG-3'
Protein context (NP_001421.2, residues 680-700): KTRSAKGFGA[Arg690Pro]GPDVLSPAMV